The following is an entry in ClinVar:

NM_001005361.3(DNM2):c.2059-19C>A

Genes: MIR6793 (microRNA 6793; plus strand), DNM2 (dynamin 2; plus strand). Cytogenetic location: 19p13.2.
Variant type: single nucleotide variant.
Coding change: c.2059-19C>A on transcript NM_001005361.3 (MANE Select); 19 bases into the intron before coding-DNA position 2059, C replaced by A.
Molecular consequence: intron variant. On other transcripts: non-coding transcript variant (1).
Genome position (GRCh38, 1-based): chr19:10,829,017, C>A. VCF-style: chr19-10829017-C-A. GRCh37 (hg19) VCF-style: chr19-10939693-C-A.
Other names: c.2059-19C>A (NM_001005360.3, NM_001190716.2); c.2047-19C>A (NM_004945.4, NM_001005362.3).
Identifiers: ClinVar variation 4887720 (VCV004887720.1).
Genomic context (GRCh38, chr19:10,829,017, plus strand): 5'-AGATGTTTTTCCAGCAGTCACTGTGGGTTCTGGGTTGGGGTGATACACAAGCCTGACCCT[C>A]CCCAACCCCTGCCCGCAGACGAAGGCCTTCATCCACCACGAGCTGCTGGCCTACCTATAC-3'

ClinVar aggregate classification (germline): Likely benign (1 of 4 stars; one submission).

Submission:

Women's Health and Genetics/Laboratory Corporation of America, LabCorp
Classification: Likely benign. Last evaluated: 2026-06-24. Review status: criteria provided, single submitter. Criteria: LabCorp Variant Classification Summary - May 2015. Collection method: clinical testing. Allele origin: germline.
Comment: Variant summary: DNM2 c.2059-19C>A alters a nucleotide located at a position not widely known to affect splicing. Consensus agreement among computation tools predict no significant impact on normal splicing. However, these predictions have yet to be confirmed by functional studies. The variant was absent in 240922 control chromosomes. The available data on variant occurrences in the general population are insufficient to allow any conclusion about variant significance. To our knowledge, no occurrence of c.2059-19C>A in individuals affected with DNM2-related conditions and no experimental evidence demonstrating its impact on protein function have been reported. No submitters have cited clinical-significance assessments for this variant to ClinVar. Based on the evidence outlined above, the variant was classified as likely benign.